The following is an entry in ClinVar:

ClinVar aggregate classification (germline): Uncertain significance (1 of 4 stars; one submission).

Conditions:
Emery-Dreifuss muscular dystrophy 5, autosomal dominant (EDMD5). Also called: EMERY-DREIFUSS MUSCULAR DYSTROPHY 5. Identifiers: Orphanet 261, MedGen C2751805, MONDO:0013072, OMIM 612999.

Allele frequency attached by ClinVar (database versions not stated): ExAC 0.00003; gnomAD 0.00005; gnomAD exomes 0.00005; TOPMed 0.00006; ESP Exome Variant Server 0.00015; 1000 Genomes Project 30x 0.00016; 1000 Genomes Project 0.00020.
gnomAD v4.1: 84 of 1,614,122 alleles (0.0052%); highest among the groups gnomAD compares: Middle Eastern, 0.016%; no homozygotes.

Submission:

Labcorp Genetics (formerly Invitae), Labcorp
Classification: Uncertain significance for Emery-Dreifuss muscular dystrophy 5, autosomal dominant. Last evaluated: 2024-03-29. Review status: criteria provided, single submitter. Criteria: Invitae Variant Classification Sherloc (09022015). Collection method: clinical testing. Allele origin: germline.
Comment: This sequence change replaces arginine, which is basic and polar, with tryptophan, which is neutral and slightly polar, at codon 4894 of the SYNE2 protein (p.Arg4894Trp). This variant is present in population databases (rs201571076, gnomAD 0.006%). This variant has not been reported in the literature in individuals affected with SYNE2-related conditions. An algorithm developed to predict the effect of missense changes on protein structure and function (PolyPhen-2) suggests that this variant is likely to be tolerated. In summary, the available evidence is currently insufficient to determine the role of this variant in disease. Therefore, it has been classified as a Variant of Uncertain Significance.

NM_182914.3(SYNE2):c.14680C>T (p.Arg4894Trp)

Gene: SYNE2 (spectrin repeat containing nuclear envelope protein 2; plus strand). Cytogenetic location: 14q23.2.
Variant type: single nucleotide variant.
Coding change: c.14680C>T on transcript NM_182914.3 (MANE Select); coding-DNA position 14680, C replaced by T.
Protein change: p.Arg4894Trp; replaces arginine 4894 with tryptophan.
Molecular consequence: missense variant.
Genome position (GRCh38, 1-based): chr14:64,137,820, C>T. VCF-style: chr14-64137820-C-T. GRCh37 (hg19) VCF-style: chr14-64604538-C-T.
Other names: c.14680C>T, p.Arg4894Trp (NM_015180.6); short protein forms R4894W.
Identifiers: ClinVar variation 2711362 (VCV002711362.3), dbSNP rs201571076, ClinGen allele CA7222847.